The following is an entry in ClinVar:

ClinVar aggregate classification (germline): Uncertain significance. Review status: criteria provided, multiple submitters, no conflicts (2 of 4 stars). 2 submissions from 2 submitters: Uncertain significance (2). Last evaluated 2025-12-04.

Conditions:
Inborn genetic diseases. Identifiers: MedGen C0950123, MeSH D030342.

Allele frequency attached by ClinVar (database versions not stated): gnomAD exomes below 0.00001; ExAC 0.00001; TOPMed 0.00001; gnomAD 0.00002.
gnomAD v4.1: 5 of 1,613,856 alleles (0.00031%); highest among the groups gnomAD compares: African/African-American, 0.0053%; no homozygotes.

Submissions (2):

Ambry Genetics
Classification: Uncertain significance for Inborn genetic diseases. Last evaluated: 2025-12-04. Review status: criteria provided, single submitter. Criteria: Ambry Variant Classification Scheme 2023. Collection method: clinical testing. Allele origin: germline.

Labcorp Genetics (formerly Invitae), Labcorp
Classification: Uncertain significance. Last evaluated: 2022-08-31. Review status: criteria provided, single submitter. Criteria: Invitae Variant Classification Sherloc (09022015). Collection method: clinical testing. Allele origin: germline.
Comment: This sequence change replaces threonine, which is neutral and polar, with alanine, which is neutral and non-polar, at codon 66 of the ACBD5 protein (p.Thr66Ala). This variant is present in population databases (rs747720886, gnomAD 0.007%). In summary, the available evidence is currently insufficient to determine the role of this variant in disease. Therefore, it has been classified as a Variant of Uncertain Significance. Algorithms developed to predict the effect of missense changes on protein structure and function are either unavailable or do not agree on the potential impact of this missense change (SIFT: "Deleterious"; PolyPhen-2: "Possibly Damaging"; Align-GVGD: "Class C0"). ClinVar contains an entry for this variant (Variation ID: 1061191). This variant has not been reported in the literature in individuals affected with ACBD5-related conditions.

NM_145698.5(ACBD5):c.196A>G (p.Thr66Ala)

Gene: ACBD5 (acyl-CoA binding domain containing 5; minus strand). Cytogenetic location: 10p12.1.
Variant type: single nucleotide variant.
Coding change: c.196A>G on transcript NM_145698.5 (MANE Select); coding-DNA position 196, A replaced by G.
Protein change: p.Thr66Ala; replaces threonine 66 with alanine.
Molecular consequence: missense variant. On other transcripts: intron variant (7).
Genome position (GRCh38, 1-based): chr10:27,235,198, T>C on the plus strand (A>G on the coding strand, the complement: ACBD5 is on the minus strand). VCF-style: chr10-27235198-T-C. GRCh37 (hg19) VCF-style: chr10-27524127-T-C.
Other names: c.91A>G, p.Thr31Ala (NM_001042473.4, NM_001352574.2, NM_001352575.2 and 6 more transcripts); c.190A>G, p.Thr64Ala (NM_001271512.3, NM_001352571.1, NM_001352586.1 and 1 more transcripts); c.217A>G, p.Thr73Ala (NM_001352568.1, NM_001352572.1); c.196A>G, p.Thr66Ala (NM_001352569.1, NM_001352570.1, NM_001352573.1 and 2 more transcripts); c.-25-3378A>G (NM_001301253.2, NM_001301251.2, NM_001352583.1 and 4 more transcripts); c.196A>G (NM_145698.3); short protein forms T31A, T64A, T66A, T73A.
Identifiers: ClinVar variation 1061191 (VCV001061191.10), dbSNP rs747720886, ClinGen allele CA5451015.